The following is an entry in ClinVar:

ClinVar aggregate classification (germline): Uncertain significance (1 of 4 stars; one submission).

Submission:

Labcorp Genetics (formerly Invitae), Labcorp
Classification: Uncertain significance. Last evaluated: 2022-08-04. Review status: criteria provided, single submitter. Criteria: Invitae Variant Classification Sherloc (09022015). Collection method: clinical testing. Allele origin: germline.
Comment: This sequence change replaces aspartic acid, which is acidic and polar, with asparagine, which is neutral and polar, at codon 1485 of the LTBP2 protein (p.Asp1485Asn). This variant also falls at the last nucleotide of exon 30, which is part of the consensus splice site for this exon. This variant is present in population databases (no rsID available, gnomAD 0.0009%). This variant has not been reported in the literature in individuals affected with LTBP2-related conditions. Algorithms developed to predict the effect of missense changes on protein structure and function are either unavailable or do not agree on the potential impact of this missense change (SIFT: "Deleterious"; PolyPhen-2: "Probably Damaging"; Align-GVGD: "Class C15"). Variants that disrupt the consensus splice site are a relatively common cause of aberrant splicing (PMID: 17576681, 9536098). In summary, the available evidence is currently insufficient to determine the role of this variant in disease. Therefore, it has been classified as a Variant of Uncertain Significance.

Literature cited by the submitters: PubMed 17576681; PubMed 9536098.

NM_000428.3(LTBP2):c.4453G>A (p.Asp1485Asn)

Gene: LTBP2 (latent transforming growth factor beta binding protein 2; minus strand). Cytogenetic location: 14q24.3.
Variant type: single nucleotide variant.
Coding change: c.4453G>A on transcript NM_000428.3 (MANE Select); coding-DNA position 4453, G replaced by A.
Protein change: p.Asp1485Asn; replaces aspartic acid 1485 with asparagine.
Molecular consequence: missense variant.
Genome position (GRCh38, 1-based): chr14:74,504,778, C>T on the plus strand (G>A on the coding strand, the complement: LTBP2 is on the minus strand). VCF-style: chr14-74504778-C-T. GRCh37 (hg19) VCF-style: chr14-74971481-C-T.
Other names: short protein forms D1485N.
Identifiers: ClinVar variation 1965990 (VCV001965990.2), dbSNP rs1261239321, ClinGen allele CA390385579.
Genomic context (GRCh38, chr14:74,504,778, plus strand): 5'-AGGAGCAGGCTAGGGCCCACTCAGGTGAAGGAGTTTGGGGCAGAGGATGGAGCAGATTAC[C>T]TGTGTACATGGTCTGTCCAAACGTCCAGGCTCCTTCCACAGGAATGTAGCCTTTTCCACT-3'
Protein context (NP_000419.1, residues 1475-1495): AWTFGQTMYT[Asp1485Asn]ADECVIFGPG